The following is an entry in ClinVar:

ClinVar aggregate classification (germline): Uncertain significance (1 of 4 stars; one submission).

Conditions:
Argininosuccinate lyase deficiency. Also called: Argininosuccinic aciduria; ARGININOSUCCINIC ACID LYASE DEFICIENCY; ASL DEFICIENCY. Identifiers: Orphanet 23, MedGen C0268547, MONDO:0008815, OMIM 207900, HP:0025630.

Submission:

Labcorp Genetics (formerly Invitae), Labcorp
Classification: Uncertain significance for Argininosuccinate lyase deficiency. Last evaluated: 2025-06-22. Review status: criteria provided, single submitter. Criteria: Invitae Variant Classification Sherloc (09022015). Collection method: clinical testing. Allele origin: germline.
Comment: This sequence change replaces glutamic acid, which is acidic and polar, with lysine, which is basic and polar, at codon 399 of the ASL protein (p.Glu399Lys). This variant is present in population databases (rs767023696, gnomAD 0.006%). This variant has not been reported in the literature in individuals affected with ASL-related conditions. Invitae Evidence Modeling of protein sequence and biophysical properties (such as structural, functional, and spatial information, amino acid conservation, physicochemical variation, residue mobility, and thermodynamic stability) has been performed for this missense variant. However, the output from this modeling did not meet the statistical confidence thresholds required to predict the impact of this variant on ASL protein function. In summary, the available evidence is currently insufficient to determine the role of this variant in disease. Therefore, it has been classified as a Variant of Uncertain Significance.

NM_000048.4(ASL):c.1195G>A (p.Glu399Lys)

Gene: ASL (argininosuccinate lyase; plus strand). Cytogenetic location: 7q11.21.
Variant type: single nucleotide variant.
Coding change: c.1195G>A on transcript NM_000048.4 (MANE Select); coding-DNA position 1195, G replaced by A.
Protein change: p.Glu399Lys; replaces glutamic acid 399 with lysine.
Molecular consequence: missense variant.
Genome position (GRCh38, 1-based): chr7:66,092,608, G>A. VCF-style: chr7-66092608-G-A. GRCh37 (hg19) VCF-style: chr7-65557595-G-A.
Other names: c.1195G>A, p.Glu399Lys (NM_001024943.2); c.1135G>A, p.Glu379Lys (NM_001024944.2); c.1117G>A, p.Glu373Lys (NM_001024946.2); short protein forms E373K, E379K, E399K.
Identifiers: ClinVar variation 4706753 (VCV004706753.1).
Genomic context (GRCh38, chr7:66,092,608, plus strand): 5'-GGCACCCAGATGCCATTCCGCCAGGCCCACGAGGCCTCCGGGAAAGCTGTGTTCATGGCC[G>A]AGACCAAGGGGGTCGCCCTCAACCAGCTGTCACTGCAGGAGCTGCAGACCATCAGGTACG-3'
Protein context (NP_000039.2, residues 389-409): EASGKAVFMA[Glu399Lys]TKGVALNQLS